The following is an entry in ClinVar:

ClinVar aggregate classification (germline): Uncertain significance (1 of 4 stars; one submission).

Allele frequency attached by ClinVar (database versions not stated): gnomAD exomes below 0.00001.

Submission:

Women's Health and Genetics/Laboratory Corporation of America, LabCorp
Classification: Uncertain significance. Last evaluated: 2023-05-03. Review status: criteria provided, single submitter. Criteria: LabCorp Variant Classification Summary - May 2015. Collection method: clinical testing. Allele origin: germline.
Comment: Variant summary: ZNF828 (also known as CHAMP1) c.1474G>A (p.Val492Ile) results in a conservative amino acid change in the encoded protein sequence. Five of five in-silico tools predict a benign effect of the variant on protein function. The variant allele was found at a frequency of 4e-06 in 251460 control chromosomes (gnomAD). The available data on variant occurrences in the general population are insufficient to allow any conclusion about variant significance. To our knowledge, no occurrence of c.1474G>A in individuals affected with Intellectual Disability, Autosomal Dominant 40 and no experimental evidence demonstrating its impact on protein function have been reported. No clinical diagnostic laboratories have submitted clinical-significance assessments for this variant to ClinVar after 2014. Based on the evidence outlined above, the variant was classified as uncertain significance.

NM_032436.4(CHAMP1):c.1474G>A (p.Val492Ile)

Gene: CHAMP1 (chromosome alignment maintaining phosphoprotein 1; plus strand). Cytogenetic location: 13q34.
Variant type: single nucleotide variant.
Coding change: c.1474G>A on transcript NM_032436.4 (MANE Select); coding-DNA position 1474, G replaced by A.
Protein change: p.Val492Ile; replaces valine 492 with isoleucine.
Molecular consequence: missense variant.
Genome position (GRCh38, 1-based): chr13:114,325,316, G>A. VCF-style: chr13-114325316-G-A. GRCh37 (hg19) VCF-style: chr13-115090791-G-A.
Other names: c.1474G>A, p.Val492Ile (NM_001164144.3, NM_001164145.3); short protein forms V492I.
Identifiers: ClinVar variation 997935 (VCV000997935.2), dbSNP rs1555379778, ClinGen allele CA388848754.